The following is an entry in ClinVar:

ClinVar aggregate classification (germline): Conflicting classifications of pathogenicity. Review status: criteria provided, conflicting classifications (1 of 4 stars). 8 submissions from 8 submitters: Uncertain significance (6); Likely benign (1). 1 of the submissions does not count toward it. Last evaluated 2025-12-23.

Conditions:
Ovarian cancer. Also called: OVARIAN CANCER, SOMATIC. Identifiers: Orphanet 213500, MedGen C1140680, MONDO:0008170, OMIM 167000.
Fanconi anemia complementation group J. Also called: BRIP1-Related Fanconi Anemia. Identifiers: Orphanet 84, MedGen C1836860, MONDO:0012187, OMIM 609054.
Familial cancer of breast. Also called: BREAST CANCER, FAMILIAL; Hereditary breast cancer; hereditary breast carcinoma. Identifiers: Orphanet 227535, MedGen C0346153, MONDO:0016419, OMIM 114480. Disease mechanism: loss of function.
Hereditary cancer-predisposing syndrome. Also called: Hereditary Cancer Syndrome; Neoplastic Syndromes, Hereditary; Tumor predisposition; Hereditary neoplastic syndrome. Identifiers: Orphanet 140162, MedGen C0027672, MeSH D009386, MONDO:0015356.

Allele frequency attached by ClinVar (database versions not stated): gnomAD exomes below 0.00001; ExAC 0.00001; gnomAD 0.00003 and 0.00004; TOPMed 0.00003.
gnomAD v4.1: 6 of 1,610,578 alleles (0.00037%); highest among the groups gnomAD compares: African/African-American, 0.0067%; no homozygotes.

Submissions (8):

Labcorp Genetics (formerly Invitae), Labcorp
Classification: Uncertain significance for Familial cancer of breast; Fanconi anemia complementation group J. Last evaluated: 2025-12-23. Review status: criteria provided, single submitter. Criteria: Invitae Variant Classification Sherloc (09022015). Collection method: clinical testing. Allele origin: germline.
Comment: This sequence change replaces valine, which is neutral and non-polar, with isoleucine, which is neutral and non-polar, at codon 611 of the BRIP1 protein (p.Val611Ile). This variant is present in population databases (rs777741543, gnomAD 0.02%). This missense change has been observed in individual(s) with colorectal cancer (PMID: 28135145). ClinVar contains an entry for this variant (Variation ID: 186270). Invitae Evidence Modeling of protein sequence and biophysical properties (such as structural, functional, and spatial information, amino acid conservation, physicochemical variation, residue mobility, and thermodynamic stability) indicates that this missense variant is not expected to disrupt BRIP1 protein function with a negative predictive value of 95%. In summary, the available evidence is currently insufficient to determine the role of this variant in disease. Therefore, it has been classified as a Variant of Uncertain Significance.

Color Diagnostics, LLC DBA Color Health
Classification: Uncertain significance for Hereditary cancer-predisposing syndrome. Last evaluated: 2024-09-09. Review status: criteria provided, single submitter. Criteria: ACMG Guidelines, 2015. Collection method: clinical testing. Allele origin: germline.
Comment: This missense variant replaces valine with isoleucine at codon 611 of the BRIP1 protein. Computational prediction suggests that this variant may not impact protein structure and function. To our knowledge, functional studies have not been reported for this variant. This variant has been reported in individuals affected with ovarian cancer (PMID: 26315354) or colorectal cancer (PMID: 28135145). This variant has been identified in 3/282802 chromosomes in the general population by the Genome Aggregation Database (gnomAD). The available evidence is insufficient to determine the role of this variant in disease conclusively. Therefore, this variant is classified as a Variant of Uncertain Significance.

GeneDx
Classification: Uncertain significance. Last evaluated: 2024-07-19. Review status: criteria provided, single submitter. Criteria: GeneDx Variant Classification Process June 2021. Collection method: clinical testing. Allele origin: germline. Affected: yes.
Comment: Not observed at significant frequency in large population cohorts (gnomAD); In silico analysis indicates that this missense variant does not alter protein structure/function; Observed in individuals with ovarian or colorectal cancer (PMID: 28135145, 26315354); This variant is associated with the following publications: (PMID: 28135145, 26315354, 11301010)

Ambry Genetics
Classification: Likely benign for Hereditary cancer-predisposing syndrome. Last evaluated: 2024-03-04. Review status: criteria provided, single submitter. Criteria: Ambry Variant Classification Scheme 2023. Collection method: clinical testing. Allele origin: germline.

Baylor Genetics
Classification: Uncertain significance for Familial cancer of breast. Last evaluated: 2023-07-06. Review status: criteria provided, single submitter. Criteria: ACMG Guidelines, 2015. Collection method: clinical testing. Allele origin: unknown.

St. Jude Molecular Pathology, St. Jude Children's Research Hospital
Classification: Uncertain significance for Familial cancer of breast. Last evaluated: 2023-03-16. Review status: criteria provided, single submitter. Criteria: St. Jude Assertion Criteria 2020. Collection method: clinical testing. Allele origin: germline.
Comment: The BRIP1 c.1831G>A (p.Val611Ile) missense change has a maximum subpopulation frequency of 0.012% in gnomAD v2.1.1. The in silico tool REVEL predicts a benign effect on protein function, but to our knowledge this prediction has not been confirmed by functional studies. The variant was reported in an individual with ovarian cancer (PMID 26315354). To our knowledge, this variant has not been reported in individuals with Fanconi anemia. In summary, the evidence currently available is insufficient to determine the clinical significance of this variant. It has therefore been classified as of uncertain significance.

Myriad Genetics, Inc.
Classification: Uncertain significance for Familial cancer of breast. Last evaluated: 2023-02-28. Review status: criteria provided, single submitter. Criteria: Myriad Autosomal Dominant, Autosomal Recessive and X-Linked Classification Criteria (2023). Collection method: clinical testing. Allele origin: unknown.
Comment: This variant is classified as a variant of uncertain significance as there is insufficient evidence to determine its impact on protein function and/or cancer risk.

Counsyl
Classification: Uncertain significance for Fanconi anemia complementation group J; Ovarian cancer. Last evaluated: 2018-01-04. Review status: no assertion criteria provided. Collection method: clinical testing. Allele origin: unknown. Not counted in ClinVar's aggregate classification.

Literature cited by the submitters: PubMed 28135145 (cited by 4 submitters); PubMed 26315354 (cited by 3 submitters).

NM_032043.3(BRIP1):c.1831G>A (p.Val611Ile)

Gene: BRIP1 (BRCA1 interacting DNA helicase 1; minus strand). Cytogenetic location: 17q23.2.
Variant type: single nucleotide variant.
Coding change: c.1831G>A on transcript NM_032043.3 (MANE Select); coding-DNA position 1831, G replaced by A.
Protein change: p.Val611Ile; replaces valine 611 with isoleucine.
Molecular consequence: missense variant.
Genome position (GRCh38, 1-based): chr17:61,780,365, C>T on the plus strand (G>A on the coding strand, the complement: BRIP1 is on the minus strand). VCF-style: chr17-61780365-C-T. GRCh37 (hg19) VCF-style: chr17-59857726-C-T.
Other names: short protein forms V611I.
Identifiers: ClinVar variation 186270 (VCV000186270.29), dbSNP rs777741543, ClinGen allele CA194306.